The following is an entry in ClinVar:

NM_001999.4(FBN2):c.339G>A (p.Pro113=)

Gene: FBN2 (fibrillin 2; minus strand). Cytogenetic location: 5q23.3.
Variant type: single nucleotide variant.
Coding change: c.339G>A on transcript NM_001999.4 (MANE Select); coding-DNA position 339, G replaced by A.
Protein change: p.Pro113=; no amino-acid change (proline 113 retained).
Molecular consequence: synonymous variant.
Genome position (GRCh38, 1-based): chr5:128,530,692, C>T on the plus strand (G>A on the coding strand, the complement: FBN2 is on the minus strand). VCF-style: chr5-128530692-C-T. GRCh37 (hg19) VCF-style: chr5-127866385-C-T.
Identifiers: ClinVar variation 377865 (VCV000377865.22), dbSNP rs144540627, ClinGen allele CA3396131.

ClinVar aggregate classification (germline): Benign/Likely benign. Review status: criteria provided, multiple submitters, no conflicts (2 of 4 stars). 5 submissions from 5 submitters: Benign (1); Likely benign (4). Last evaluated 2025-12-23.

Conditions:
Familial thoracic aortic aneurysm and aortic dissection (TAAD). Also called: Thoracic aortic aneurysms and dissections. Identifiers: Orphanet 91387, MedGen C4707243, MONDO:0019625.
Congenital contractural arachnodactyly (CCA). Also called: BEALS SYNDROME; Arthrogryposis, distal, type 9; Beals-Hecht syndrome. Identifiers: Orphanet 115, MedGen C0220668, MONDO:0007363, OMIM 121050.

Allele frequency attached by ClinVar (database versions not stated): ExAC 0.00010; gnomAD exomes 0.00010; ESP Exome Variant Server 0.00015; TOPMed 0.00031; gnomAD 0.00032; 1000 Genomes Project 0.00060; 1000 Genomes Project 30x 0.00078.

Submissions (5):

Labcorp Genetics (formerly Invitae), Labcorp
Classification: Likely benign for Congenital contractural arachnodactyly. Last evaluated: 2025-12-23. Review status: criteria provided, single submitter. Criteria: Invitae Variant Classification Sherloc (09022015). Collection method: clinical testing. Allele origin: germline.

Women's Health and Genetics/Laboratory Corporation of America, LabCorp
Classification: Benign. Last evaluated: 2023-08-19. Review status: criteria provided, single submitter. Criteria: LabCorp Variant Classification Summary - May 2015. Collection method: clinical testing. Allele origin: germline.

ARUP Laboratories, Molecular Genetics and Genomics, ARUP Laboratories
Classification: Likely benign. Last evaluated: 2020-04-14. Review status: criteria provided, single submitter. Criteria: ARUP Molecular Germline Variant Investigation Process. Collection method: clinical testing. Allele origin: germline.

GeneDx
Classification: Likely benign. Last evaluated: 2017-10-30. Review status: criteria provided, single submitter. Criteria: GeneDx Variant Classification (06012015). Collection method: clinical testing. Allele origin: germline. Affected: yes.
Comment: This variant is considered likely benign or benign based on one or more of the following criteria: it is a conservative change, it occurs at a poorly conserved position in the protein, it is predicted to be benign by multiple in silico algorithms, and/or has population frequency not consistent with disease.

Ambry Genetics
Classification: Likely benign for Familial thoracic aortic aneurysm and aortic dissection. Last evaluated: 2017-02-27. Review status: criteria provided, single submitter. Criteria: Ambry Variant Classification Scheme 2023. Collection method: clinical testing. Allele origin: germline.